The following is an entry in ClinVar:

NM_001252024.2(TRPM1):c.4781A>T (p.His1594Leu)

Gene: TRPM1 (transient receptor potential cation channel subfamily M member 1; minus strand). Cytogenetic location: 15q13.3.
Variant type: single nucleotide variant.
Coding change: c.4781A>T on transcript NM_001252024.2 (MANE Select); coding-DNA position 4781, A replaced by T.
Protein change: p.His1594Leu; replaces histidine 1594 with leucine.
Molecular consequence: missense variant.
Genome position (GRCh38, 1-based): chr15:31,001,919, T>A on the plus strand (A>T on the coding strand, the complement: TRPM1 is on the minus strand). VCF-style: chr15-31001919-T-A. GRCh37 (hg19) VCF-style: chr15-31294122-T-A.
Other names: c.4832A>T, p.His1611Leu (NM_001252020.2); c.4715A>T, p.His1572Leu (NM_002420.6); short protein forms H1594L, H1572L, H1611L.
Identifiers: ClinVar variation 1915693 (VCV001915693.5), dbSNP rs200626726, ClinGen allele CA7451579.

ClinVar aggregate classification (germline): Uncertain significance (1 of 4 stars; one submission).

Allele frequency attached by ClinVar (database versions not stated): 1000 Genomes Project 30x 0.00016; 1000 Genomes Project 0.00020.
gnomAD v4.1: 6 of 1,614,210 alleles (0.00037%); highest among the groups gnomAD compares: East Asian, 0.0045%; no homozygotes.

Submission:

Labcorp Genetics (formerly Invitae), Labcorp
Classification: Uncertain significance. Last evaluated: 2023-10-03. Review status: criteria provided, single submitter. Criteria: Invitae Variant Classification Sherloc (09022015). Collection method: clinical testing. Allele origin: germline.
Comment: This sequence change replaces histidine, which is basic and polar, with leucine, which is neutral and non-polar, at codon 1572 of the TRPM1 protein (p.His1572Leu). This variant is present in population databases (rs200626726, gnomAD 0.006%). This variant has not been reported in the literature in individuals affected with TRPM1-related conditions. ClinVar contains an entry for this variant (Variation ID: 1915693). Algorithms developed to predict the effect of missense changes on protein structure and function output the following: SIFT: "Not Available"; PolyPhen-2: "Benign"; Align-GVGD: "Not Available". The leucine amino acid residue is found in multiple mammalian species, which suggests that this missense change does not adversely affect protein function. In summary, the available evidence is currently insufficient to determine the role of this variant in disease. Therefore, it has been classified as a Variant of Uncertain Significance.